The following is an entry in ClinVar:

ClinVar aggregate classification (germline): Uncertain significance. Review status: criteria provided, multiple submitters, no conflicts (2 of 4 stars). 3 submissions from 3 submitters: Uncertain significance (3). Last evaluated 2024-11-21.

Allele frequency attached by ClinVar (database versions not stated): TOPMed below 0.00001; gnomAD 0.00001.

Submissions (3):

Blueprint Genetics
Classification: Uncertain significance. Last evaluated: 2024-11-21. Review status: criteria provided, single submitter. Criteria: ACMG Guidelines, 2015. Collection method: clinical testing. Allele origin: germline.

GeneDx
Classification: Uncertain significance. Last evaluated: 2022-12-30. Review status: criteria provided, single submitter. Criteria: GeneDx Variant Classification Process June 2021. Collection method: clinical testing. Allele origin: germline. Affected: yes.
Comment: Not observed at significant frequency in large population cohorts (gnomAD); In silico analysis supports that this missense variant does not alter protein structure/function; Has not been previously published as pathogenic or benign to our knowledge

Labcorp Genetics (formerly Invitae), Labcorp
Classification: Uncertain significance. Last evaluated: 2022-02-08. Review status: criteria provided, single submitter. Criteria: Invitae Variant Classification Sherloc (09022015). Collection method: clinical testing. Allele origin: germline.
Comment: This variant is present in population databases (no rsID available, gnomAD no frequency). This sequence change replaces arginine, which is basic and polar, with glutamine, which is neutral and polar, at codon 729 of the PDZD7 protein (p.Arg729Gln). ClinVar contains an entry for this variant (Variation ID: 1014909). This variant has not been reported in the literature in individuals affected with PDZD7-related conditions. Algorithms developed to predict the effect of missense changes on protein structure and function output the following: SIFT: "Deleterious"; PolyPhen-2: "Not Available"; Align-GVGD: "Class C0". The glutamine amino acid residue is found in multiple mammalian species, which suggests that this missense change does not adversely affect protein function. In summary, the available evidence is currently insufficient to determine the role of this variant in disease. Therefore, it has been classified as a Variant of Uncertain Significance.

NM_001195263.2(PDZD7):c.2186G>A (p.Arg729Gln)

Gene: PDZD7 (PDZ domain containing 7; minus strand). Cytogenetic location: 10q24.31.
Variant type: single nucleotide variant.
Coding change: c.2186G>A on transcript NM_001195263.2 (MANE Select); coding-DNA position 2186, G replaced by A.
Protein change: p.Arg729Gln; replaces arginine 729 with glutamine.
Molecular consequence: missense variant.
Genome position (GRCh38, 1-based): chr10:101,010,703, C>T on the plus strand (G>A on the coding strand, the complement: PDZD7 is on the minus strand). VCF-style: chr10-101010703-C-T. GRCh37 (hg19) VCF-style: chr10-102770460-C-T.
Other names: c.2186G>A (NM_001195263.1); short protein forms R729Q.
Identifiers: ClinVar variation 1014909 (VCV001014909.10), dbSNP rs1332415010, ClinGen allele CA378224990.